The following is an entry in ClinVar:

NM_016356.5(DCDC2):c.1348C>A (p.Pro450Thr)

Gene: DCDC2 (doublecortin domain containing 2; minus strand). Cytogenetic location: 6p22.3.
Variant type: single nucleotide variant.
Coding change: c.1348C>A on transcript NM_016356.5 (MANE Select); coding-DNA position 1348, C replaced by A.
Protein change: p.Pro450Thr; replaces proline 450 with threonine.
Molecular consequence: missense variant.
Genome position (GRCh38, 1-based): chr6:24,174,813, G>T on the plus strand (C>A on the coding strand, the complement: DCDC2 is on the minus strand). VCF-style: chr6-24174813-G-T. GRCh37 (hg19) VCF-style: chr6-24175041-G-T.
Other names: c.1348C>A, p.Pro450Thr (NM_001195610.2); short protein forms P450T.
Identifiers: ClinVar variation 2575874 (VCV002575874.1), dbSNP rs2480848964, ClinGen allele CA363278700.
Genomic context (GRCh38, chr6:24,174,813, plus strand): 5'-TGTTTTGTTGGTTGTTTTCATTTTCTTCTGGACTGGTAATTTTTACTTCTGGCCTTGGTG[G>T]TCTTTGAGGGTCTACATCAGCCTAGAAGAAAATAGATCAAAACAAAGGTATTCAGCTGTT-3'
Protein context (NP_057440.2, residues 440-460): QDEADVDPQR[Pro450Thr]PRPEVKITSP

ClinVar aggregate classification (germline): Uncertain significance (1 of 4 stars; one submission).

Submission:

GeneDx
Classification: Uncertain significance. Last evaluated: 2023-02-14. Review status: criteria provided, single submitter. Criteria: GeneDx Variant Classification Process June 2021. Collection method: clinical testing. Allele origin: germline. Affected: yes.
Comment: Not observed at significant frequency in large population cohorts (gnomAD); In silico analysis supports that this missense variant does not alter protein structure/function; Has not been previously published as pathogenic or benign to our knowledge